The following is an entry in ClinVar:

NM_006623.4(PHGDH):c.980C>T (p.Pro327Leu)

Gene: PHGDH (phosphoglycerate dehydrogenase; plus strand). Cytogenetic location: 1p12.
Variant type: single nucleotide variant.
Coding change: c.980C>T on transcript NM_006623.4 (MANE Select); coding-DNA position 980, C replaced by T.
Protein change: p.Pro327Leu; replaces proline 327 with leucine.
Molecular consequence: missense variant.
Genome position (GRCh38, 1-based): chr1:119,740,420, C>T. VCF-style: chr1-119740420-C-T. GRCh37 (hg19) VCF-style: chr1-120283043-C-T.
Other names: c.980C>T (NM_006623.3); short protein forms P327L.
Identifiers: ClinVar variation 1389740 (VCV001389740.6), dbSNP rs778021683, ClinGen allele CA1037328.

ClinVar aggregate classification (germline): Uncertain significance. Review status: criteria provided, multiple submitters, no conflicts (2 of 4 stars). 2 submissions from 2 submitters: Uncertain significance (2). Last evaluated 2021-09-24.

Conditions:
Inborn genetic diseases. Identifiers: MedGen C0950123, MeSH D030342.
PHGDH deficiency. Identifiers: Orphanet 79351, MedGen C1866174, MONDO:0011152, OMIM 601815.

Allele frequency attached by ClinVar (database versions not stated): gnomAD exomes 0.00001 and 0.00003; ExAC 0.00004.
gnomAD v4.1: 10 of 1,613,962 alleles (0.00062%); highest among the groups gnomAD compares: Admixed American, 0.013%; no homozygotes.

Submissions (2):

Labcorp Genetics (formerly Invitae), Labcorp
Classification: Uncertain significance for PHGDH deficiency. Last evaluated: 2021-09-24. Review status: criteria provided, single submitter. Criteria: Invitae Variant Classification Sherloc (09022015). Collection method: clinical testing. Allele origin: germline.
Comment: This sequence change replaces proline with leucine at codon 327 of the PHGDH protein (p.Pro327Leu). The proline residue is weakly conserved and there is a moderate physicochemical difference between proline and leucine. This variant is present in population databases (rs778021683, ExAC 0.04%). This variant has not been reported in the literature in individuals with PHGDH-related conditions. Algorithms developed to predict the effect of missense changes on protein structure and function output the following: SIFT: "Tolerated"; PolyPhen-2: "Benign"; Align-GVGD: "Class C0". The leucine amino acid residue is found in multiple mammalian species, suggesting that this missense change does not adversely affect protein function. These predictions have not been confirmed by published functional studies and their clinical significance is uncertain. In summary, the available evidence is currently insufficient to determine the role of this variant in disease. Therefore, it has been classified as a Variant of Uncertain Significance.

Ambry Genetics
Classification: Uncertain significance for Inborn genetic diseases. Last evaluated: 2021-01-29. Review status: criteria provided, single submitter. Criteria: Ambry Variant Classification Scheme 2023. Collection method: clinical testing. Allele origin: germline.
Comment: The c.980C>T (p.P327L) alteration is located in exon 9 (coding exon 9) of the PHGDH gene. This alteration results from a C to T substitution at nucleotide position 980, causing the proline (P) at amino acid position 327 to be replaced by a leucine (L). The p.P327L alteration is predicted to be tolerated by in silico analysis. Based on insufficient or conflicting evidence, the clinical significance of this alteration remains unclear.